The following is an entry in ClinVar:

ClinVar aggregate classification (germline): Uncertain significance (1 of 4 stars; one submission).

Conditions:
Werner syndrome (WRN). Identifiers: Orphanet 902, MedGen C0043119, MONDO:0010196, OMIM 277700.

Allele frequency attached by ClinVar (database versions not stated): gnomAD exomes 0.00001.
gnomAD v4.1: 11 of 1,613,984 alleles (0.00068%); highest among the groups gnomAD compares: Non-Finnish European, 0.00085%; no homozygotes.

Submission:

Labcorp Genetics (formerly Invitae), Labcorp
Classification: Uncertain significance for Werner syndrome. Last evaluated: 2026-01-10. Review status: criteria provided, single submitter. Criteria: Invitae Variant Classification Sherloc (09022015). Collection method: clinical testing. Allele origin: germline.
Comment: This sequence change replaces asparagine, which is neutral and polar, with serine, which is neutral and polar, at codon 199 of the WRN protein (p.Asn199Ser). This variant is not present in population databases (gnomAD no frequency). This variant has not been reported in the literature in individuals affected with WRN-related conditions. ClinVar contains an entry for this variant (Variation ID: 835818). An algorithm developed to predict the effect of missense changes on protein structure and function (PolyPhen-2) suggests that this variant is likely to be tolerated. In summary, the available evidence is currently insufficient to determine the role of this variant in disease. Therefore, it has been classified as a Variant of Uncertain Significance.

NM_000553.6(WRN):c.596A>G (p.Asn199Ser)

Gene: WRN (WRN RecQ like helicase; plus strand). Cytogenetic location: 8p12.
Variant type: single nucleotide variant.
Coding change: c.596A>G on transcript NM_000553.6 (MANE Select); coding-DNA position 596, A replaced by G.
Protein change: p.Asn199Ser; replaces asparagine 199 with serine.
Molecular consequence: missense variant.
Genome position (GRCh38, 1-based): chr8:31,067,124, A>G. VCF-style: chr8-31067124-A-G. GRCh37 (hg19) VCF-style: chr8-30924640-A-G.
Other names: short protein forms N199S.
Identifiers: ClinVar variation 835818 (VCV000835818.5), dbSNP rs1812738746, ClinGen allele CA370916213.